The following is an entry in ClinVar:

ClinVar aggregate classification (germline): Likely benign. Review status: criteria provided, multiple submitters, no conflicts (2 of 4 stars). 3 submissions from 3 submitters: Likely benign (2). 1 of the submissions does not count toward it. Last evaluated 2024-05-24.

Conditions:
Cardiovascular phenotype. Identifiers: MedGen CN230736.
ZNF469-related disorder. Also called: ZNF469-related condition.

Allele frequency attached by ClinVar (database versions not stated): gnomAD 0.00001; gnomAD exomes below 0.00001.
gnomAD v4.1: 2 of 1,549,906 alleles (0.00013%); highest among the groups gnomAD compares: Non-Finnish European, 0.00017%; no homozygotes.

Submissions (3):

Ambry Genetics
Classification: Likely benign for Cardiovascular phenotype. Last evaluated: 2024-05-24. Review status: criteria provided, single submitter. Criteria: Ambry Variant Classification Scheme 2023. Collection method: clinical testing. Allele origin: germline.

Labcorp Genetics (formerly Invitae), Labcorp
Classification: Likely benign. Last evaluated: 2024-04-04. Review status: criteria provided, single submitter. Criteria: Invitae Variant Classification Sherloc (09022015). Collection method: clinical testing. Allele origin: germline.

PreventionGenetics, part of Exact Sciences
Classification: Likely benign for ZNF469-related condition. Last evaluated: 2023-10-27. Review status: no assertion criteria provided. Collection method: clinical testing. Allele origin: germline. Not counted in ClinVar's aggregate classification.
Comment: This variant is classified as likely benign based on ACMG/AMP sequence variant interpretation guidelines (Richards et al. 2015 PMID: 25741868, with internal and published modifications).

NM_001367624.2(ZNF469):c.4407T>C (p.Tyr1469=)

Gene: ZNF469 (zinc finger protein 469; plus strand). Cytogenetic location: 16q24.2.
Variant type: single nucleotide variant.
Coding change: c.4407T>C on transcript NM_001367624.2 (MANE Select); coding-DNA position 4407, T replaced by C.
Protein change: p.Tyr1469=; no amino-acid change (tyrosine 1469 retained).
Molecular consequence: synonymous variant.
Genome position (GRCh38, 1-based): chr16:88,431,877, T>C. VCF-style: chr16-88431877-T-C. GRCh37 (hg19) VCF-style: chr16-88498285-T-C.
Other names: NM_001127464.2:c.4323T>C; NM_001127464.1:c.4323T>C.
Identifiers: ClinVar variation 2961451 (VCV002961451.6), dbSNP rs1360848422, ClinGen allele CA497354906.